The following is an entry in ClinVar:

NM_024747.6(HPS6):c.4A>T (p.Lys2Ter)

Genes: HPS6 (HPS6 biogenesis of lysosomal organelles complex 2 subunit 3; plus strand), LOC130004578 (ATAC-STARR-seq lymphoblastoid silent region 2738; plus strand). Cytogenetic location: 10q24.32.
Variant type: single nucleotide variant.
Coding change: c.4A>T on transcript NM_024747.6 (MANE Select); coding-DNA position 4, A replaced by T.
Protein change: p.Lys2Ter; replaces lysine 2 with a stop codon.
Molecular consequence: nonsense.
Genome position (GRCh38, 1-based): chr10:102,065,478, A>T. VCF-style: chr10-102065478-A-T. GRCh37 (hg19) VCF-style: chr10-103825235-A-T.
Other names: short protein forms K2*.
Identifiers: ClinVar variation 3003734 (VCV003003734.3), dbSNP rs2540985878, ClinGen allele CA377853307.

ClinVar aggregate classification (germline): Pathogenic (1 of 4 stars; one submission).

Allele frequency attached by ClinVar (database versions not stated): gnomAD exomes below 0.00001.
gnomAD v4.1: 2 of 1,557,118 alleles (0.00013%); highest among the groups gnomAD compares: Non-Finnish European, 0.00017%; no homozygotes.

Submission:

Labcorp Genetics (formerly Invitae), Labcorp
Classification: Pathogenic. Last evaluated: 2025-11-18. Review status: criteria provided, single submitter. Criteria: Invitae Variant Classification Sherloc (09022015). Collection method: clinical testing. Allele origin: germline.
Comment: This sequence change creates a premature translational stop signal (p.Lys2*) in the HPS6 gene. While this is not anticipated to result in nonsense mediated decay, it is expected to disrupt the last 774 amino acid(s) of the HPS6 protein. This variant is not present in population databases (gnomAD no frequency). This variant has not been reported in the literature in individuals affected with HPS6-related conditions. ClinVar contains an entry for this variant (Variation ID: 3003734). This variant disrupts a region of the HPS6 protein in which other variant(s) (p.Arg607*) have been determined to be pathogenic (PMID: 29345414, 30387913, 32725903). This suggests that this is a clinically significant region of the protein, and that variants that disrupt it are likely to be disease-causing. For these reasons, this variant has been classified as Pathogenic.

Literature cited by the submitters: PubMed 29345414; PubMed 30387913; PubMed 32725903.